The following is an entry in ClinVar:

NC_000022.10:g.(?_33668494)_(33733788_33777904)dup

Gene: LARGE1 (LARGE xylosyl- and glucuronyltransferase 1; minus strand). Cytogenetic location: 22q12.3.
Variant type: Duplication.
Identifiers: ClinVar variation 4847054 (VCV004847054.1).

ClinVar aggregate classification (germline): Uncertain significance (1 of 4 stars; one submission).

Submission:

Women's Health and Genetics/Laboratory Corporation of America, LabCorp
Classification: Uncertain significance. Last evaluated: 2026-03-20. Review status: criteria provided, single submitter. Criteria: LabCorp Variant Classification Summary - May 2015. Collection method: clinical testing. Allele origin: germline.
Comment: Variant summary: The variant involves the duplication of exons 11-16 in the LARGE1 gene. A presumed nomenclature of c.(1131+1_1132-1)_(*1919_?)dup has been designated for the purposes of this classification. The exact breakpoint at the 3' end of this variant is unknown, therefore this duplication may extend downstream of the annotated region of the gene. As it duplicates the termination codon, its effect on the encoded protein is unknown. The variant allele was found at a frequency of 4.6e-05 in 21694 control chromosomes. The available data on variant occurrences in the general population are insufficient to allow any conclusion about variant significance. c.(1131+1_1132-1)_(*1919_?)dup has been observed in the heterozygous state in an individual affected with muscular dystrophy (Pennings_2023). This report does not provide unequivocal conclusions about association of the variant with LARGE1-Related Disorders. To our knowledge, no experimental evidence demonstrating an impact on protein function has been reported. The following publication has been ascertained in the context of this evaluation (PMID: 36781956). No submitters have cited clinical-significance assessments for this variant to ClinVar. Based on the evidence outlined above, the variant was classified as uncertain significance.

Literature cited by the submitters: PubMed 36781956.